The following is an entry in ClinVar:

NM_002661.5(PLCG2):c.50A>T (p.Gln17Leu)

Gene: PLCG2 (phospholipase C gamma 2; plus strand). Cytogenetic location: 16q23.3.
Variant type: single nucleotide variant.
Coding change: c.50A>T on transcript NM_002661.5 (MANE Select); coding-DNA position 50, A replaced by T.
Protein change: p.Gln17Leu; replaces glutamine 17 with leucine.
Molecular consequence: missense variant.
Genome position (GRCh38, 1-based): chr16:81,786,039, A>T. VCF-style: chr16-81786039-A-T. GRCh37 (hg19) VCF-style: chr16-81819644-A-T.
Other names: short protein forms Q17L.
Identifiers: ClinVar variation 1358008 (VCV001358008.8), dbSNP rs757826017, ClinGen allele CA396895363.
Genomic context (GRCh38, chr16:81,786,039, plus strand): 5'-AGCGGCCGACAATGTCCACCACGGTCAATGTAGATTCCCTTGCGGAATATGAGAAGAGCC[A>T]GATCAAGAGAGCCCTGGAGCTGGGGACGGTGATGACTGTGTTCAGCTTCCGCAAGTCCAC-3'
Protein context (NP_002652.2, residues 7-27): VDSLAEYEKS[Gln17Leu]IKRALELGTV

ClinVar aggregate classification (germline): Uncertain significance (1 of 4 stars; one submission).

Conditions:
Familial cold autoinflammatory syndrome 3 (FCAS3). Also called: FAMILIAL ATYPICAL COLD URTICARIA; ANTIBODY DEFICIENCY AND IMMUNE DYSREGULATION, PLCG2-ASSOCIATED. Identifiers: Orphanet 300359, MedGen C3280914, MONDO:0013766, OMIM 614468.

Submission:

Labcorp Genetics (formerly Invitae), Labcorp
Classification: Uncertain significance for Familial cold autoinflammatory syndrome 3. Last evaluated: 2021-05-31. Review status: criteria provided, single submitter. Criteria: Invitae Variant Classification Sherloc (09022015). Collection method: clinical testing. Allele origin: germline.
Comment: In summary, the available evidence is currently insufficient to determine the role of this variant in disease. Therefore, it has been classified as a Variant of Uncertain Significance. Algorithms developed to predict the effect of missense changes on protein structure and function (SIFT, PolyPhen-2, Align-GVGD) all suggest that this variant is likely to be tolerated, but these predictions have not been confirmed by published functional studies and their clinical significance is uncertain. This variant has not been reported in the literature in individuals with PLCG2-related conditions. This variant is not present in population databases (ExAC no frequency). This sequence change replaces glutamine with leucine at codon 17 of the PLCG2 protein (p.Gln17Leu). The glutamine residue is moderately conserved and there is a moderate physicochemical difference between glutamine and leucine.